The following is an entry in ClinVar:

NM_016038.4(SBDS):c.41A>G (p.Asn14Ser)

Gene: SBDS (SBDS ribosome maturation factor; minus strand). Cytogenetic location: 7q11.21.
Variant type: single nucleotide variant.
Coding change: c.41A>G on transcript NM_016038.4 (MANE Select); coding-DNA position 41, A replaced by G.
Protein change: p.Asn14Ser; replaces asparagine 14 with serine.
Molecular consequence: missense variant.
Genome position (GRCh38, 1-based): chr7:66,995,377, T>C on the plus strand (A>G on the coding strand, the complement: SBDS is on the minus strand). VCF-style: chr7-66995377-T-C. GRCh37 (hg19) VCF-style: chr7-66460364-T-C.
Other names: NM_016038.4(SBDS):c.41A>G; p.Asn14Ser; c.41A>G (LRG_104t1); short protein forms N14S.
Identifiers: ClinVar variation 427147 (VCV000427147.4), dbSNP rs766277488, ClinGen allele CA4279280.

ClinVar aggregate classification (germline): Conflicting classifications of pathogenicity. Review status: criteria provided, conflicting classifications (1 of 4 stars). 3 submissions from 3 submitters: Likely pathogenic (1); Uncertain significance (2). Last evaluated 2025-10-24.

Conditions:
Shwachman-Diamond syndrome 1 (SDS1). Also called: LIPOMATOSIS OF PANCREAS, CONGENITAL. Identifiers: MedGen C4692625, MONDO:0044204, OMIM 260400.

Allele frequency attached by ClinVar (database versions not stated): gnomAD exomes 0.00001 and 0.00002; TOPMed below 0.00001; ExAC 0.00002.
gnomAD v4.1: 8 of 1,614,074 alleles (0.0005%); highest among the groups gnomAD compares: East Asian, 0.0022%; no homozygotes.

Submissions (3):

Women's Health and Genetics/Laboratory Corporation of America, LabCorp
Classification: Uncertain significance. Last evaluated: 2025-10-24. Review status: criteria provided, single submitter. Criteria: LabCorp Variant Classification Summary - May 2015. Collection method: clinical testing. Allele origin: germline.
Comment: Variant summary: SBDS c.41A>G (p.Asn14Ser) results in a conservative amino acid change in the encoded protein sequence. Algorithms developed to predict the effect of missense changes on protein structure and function are either unavailable or do not agree on the potential impact of this missense change. The variant allele was found at a frequency of 1.6e-05 in 251458 control chromosomes. c.41A>G has been observed in compound heterozygous individual affected with Shwachman-Diamond Syndrome 1 (Topa_2016, Furutani_2022). These data indicate that the variant may be associated with disease. To our knowledge, no experimental evidence demonstrating an impact on protein function has been reported. The following publications have been ascertained in the context of this evaluation (PMID: 34758064, 26866830). ClinVar contains an entry for this variant (Variation ID: 427147). Based on the evidence outlined above, the variant was classified as VUS-possibly pathogenic.

Broad Center for Mendelian Genomics, Broad Institute of MIT and Harvard
Classification: Uncertain significance for Shwachman-Diamond syndrome 1. Last evaluated: 2025-02-07. Review status: criteria provided, single submitter. Criteria: ACMG Guidelines, 2015. Collection method: curation. Allele origin: germline. Inheritance: Autosomal recessive inheritance.
Comment: The p.Asn14Ser variant in SBDS has been reported, in the compound heterozygous state, in 1 individual with Shwachman-Diamond syndrome (PMID: 26866830), and has been identified in 0.002% (1/44872) of East Asian chromosomes by the Genome Aggregation Database (gnomAD; dbSNP rs766277488). Although this variant has been seen in the general population in a heterozygous state, its frequency is low enough to be consistent with a recessive carrier frequency. The presence of a known pseudogene, SBDSP1, can impact the reliability of allele frequencies. This variant has also been reported in ClinVar (Variation ID: 427147) and has been interpreted as likely pathogenic by GeneDx. Computational prediction tools and conservation analyses suggest that this variant may impact the protein, though this information is not predictive enough to determine pathogenicity. In summary, the clinical significance of the p.Asn14Ser variant is uncertain. ACMG/AMP Criteria applied: PM3, PP3_moderate, PM2_supporting (Richards 2015).

GeneDx
Classification: Likely pathogenic. Last evaluated: 2015-05-19. Review status: criteria provided, single submitter. Criteria: GeneDx Variant Classification (06012015). Collection method: clinical testing. Allele origin: germline. Affected: yes.
Comment: The N14S variant in the SBDS gene has not been published as a pathogenic variant, nor has it been reported as a benign polymorphism to our knowledge. It was not observed in approximately 6500 individuals of European and African American ancestry in the NHLBI Exome Sequencing Project, indicating it is not a common benign variant in these populations. The N14S variant is a conservative amino acid substitution, which is not likely to impact secondary protein structure as these residues share similar properties. This substitution occurs at a position that is not well conserved across species. However, missense variants in nearby residues (P6L, N8K, T13N, and R19Q) have been reported in the Human Gene Mutation Database in association with Shwachman-Diamond syndrome (Stenson et al., 2014), supporting the functional importance of this region of the protein. In silico analysis predicts this variant is probably damaging to the protein structure/function. The N14S variant is a strong candidate for a disease-causing variant, however the possibility it may be a rare benign variant cannot be excluded

Literature cited by the submitters: PubMed 34758064 (cited by Women's Health and Genetics/Laboratory Corporation of America, LabCorp); PubMed 26866830 (cited by Women's Health and Genetics/Laboratory Corporation of America, LabCorp).